The following is an entry in ClinVar:

ClinVar aggregate classification (germline): Uncertain significance. Review status: criteria provided, multiple submitters, no conflicts (2 of 4 stars). 3 submissions from 3 submitters: Uncertain significance (3). Last evaluated 2024-10-14.

Conditions:
Hereditary cancer-predisposing syndrome. Also called: Neoplastic Syndromes, Hereditary; Tumor predisposition; Hereditary Cancer Syndrome; Hereditary neoplastic syndrome. Identifiers: Orphanet 140162, MedGen C0027672, MeSH D009386, MONDO:0015356.
Nijmegen breakage syndrome-like disorder (NBSLD). Also called: MICROCEPHALY AND SPONTANEOUS CHROMOSOME INSTABILITY WITHOUT IMMUNODEFICIENCY; NBS-LIKE DISORDER; RAD50 DEFICIENCY. Identifiers: Orphanet 240760, MedGen C2751318, MONDO:0013118, OMIM 613078.

Allele frequency attached by ClinVar (database versions not stated): gnomAD exomes below 0.00001.
gnomAD v4.1: 1 of 1,613,950 alleles (0.000062%); highest among the groups gnomAD compares: Non-Finnish European, 0.000085%; no homozygotes.

Submissions (3):

Ambry Genetics
Classification: Uncertain significance for Hereditary cancer-predisposing syndrome. Last evaluated: 2024-10-14. Review status: criteria provided, single submitter. Criteria: Ambry Variant Classification Scheme 2023. Collection method: clinical testing. Allele origin: germline.
Comment: The p.K1090N variant (also known as c.3270A>C), located in coding exon 21 of the RAD50 gene, results from an A to C substitution at nucleotide position 3270. The lysine at codon 1090 is replaced by asparagine, an amino acid with similar properties. This amino acid position is well conserved in available vertebrate species. In addition, this alteration is predicted to be tolerated by in silico analysis. Since supporting evidence is limited at this time, the clinical significance of this alteration remains unclear.

Labcorp Genetics (formerly Invitae), Labcorp
Classification: Uncertain significance for Hereditary cancer-predisposing syndrome. Last evaluated: 2023-08-06. Review status: criteria provided, single submitter. Criteria: Invitae Variant Classification Sherloc (09022015). Collection method: clinical testing. Allele origin: germline.
Comment: In summary, the available evidence is currently insufficient to determine the role of this variant in disease. Therefore, it has been classified as a Variant of Uncertain Significance. Advanced modeling of protein sequence and biophysical properties (such as structural, functional, and spatial information, amino acid conservation, physicochemical variation, residue mobility, and thermodynamic stability) performed at Invitae indicates that this missense variant is not expected to disrupt RAD50 protein function. ClinVar contains an entry for this variant (Variation ID: 482095). This variant has not been reported in the literature in individuals affected with RAD50-related conditions. This variant is not present in population databases (gnomAD no frequency). This sequence change replaces lysine, which is basic and polar, with asparagine, which is neutral and polar, at codon 1090 of the RAD50 protein (p.Lys1090Asn).

Fulgent Genetics
Classification: Uncertain significance for Nijmegen breakage syndrome-like disorder. Last evaluated: 2018-10-31. Review status: criteria provided, single submitter. Criteria: ACMG Guidelines, 2015. Collection method: clinical testing. Allele origin: unknown.

NM_005732.4(RAD50):c.3270A>C (p.Lys1090Asn)

Gene: RAD50 (RAD50 double strand break repair protein; plus strand). Cytogenetic location: 5q31.1.
Variant type: single nucleotide variant.
Coding change: c.3270A>C on transcript NM_005732.4 (MANE Select); coding-DNA position 3270, A replaced by C.
Protein change: p.Lys1090Asn; replaces lysine 1090 with asparagine.
Molecular consequence: missense variant.
Genome position (GRCh38, 1-based): chr5:132,618,175, A>C. VCF-style: chr5-132618175-A-C. GRCh37 (hg19) VCF-style: chr5-131953867-A-C.
Other names: short protein forms K1090N.
Identifiers: ClinVar variation 482095 (VCV000482095.15), dbSNP rs1554099872, ClinGen allele CA360964623.